The following is an entry in ClinVar:

NM_003640.5(ELP1):c.467-10del

Gene: ELP1 (elongator acetyltransferase complex subunit 1; minus strand). Cytogenetic location: 9q31.3.
Variant type: Deletion.
Coding change: c.467-10del on transcript NM_003640.5 (MANE Select); 10 bases into the intron before coding-DNA position 467, one base deleted (T; older notation c.467-10delT).
Molecular consequence: intron variant.
Genome position (GRCh38, 1-based): chr9:108,922,937, A deleted on the plus strand (T on the coding strand, the reverse complement: ELP1 is on the minus strand); the first of 2 consecutive A bases (chr9:108,922,937-108,922,938); deleting either gives the same sequence. VCF-style (leftmost placement, unchanged base first): chr9-108922936-CA-C. GRCh37 (hg19) VCF-style: chr9-111685216-CA-C.
Other names: c.125-10del (NM_001318360.2); c.-393-10del (NM_001330749.2).
Identifiers: ClinVar variation 1699826 (VCV001699826.2), dbSNP rs750475941, ClinGen allele CA5175341.
Genomic context (GRCh38, chr9:108,922,936, plus strand): 5'-GATCCATGGAACTGTGTCTCCTTCCTACCCCATCCAACAGTGATAAACTTGCCTACAGAA[CA>C]ATTGGCAAGACAACTAATAAGCCACATGAAATGAAACAAAAACAGTTTCACTGCTATTCT-3'

ClinVar aggregate classification (germline): Uncertain significance (1 of 4 stars; one submission).

Submission:

GeneDx
Classification: Uncertain significance. Last evaluated: 2022-01-31. Review status: criteria provided, single submitter. Criteria: GeneDx Variant Classification Process June 2021. Collection method: clinical testing. Allele origin: germline. Affected: yes.
Comment: Not observed at significant frequency in large population cohorts (gnomAD); Has not been previously published as pathogenic or benign to our knowledge; In-silico analysis is inconclusive as to whether the variant alters gene splicing. In the absence of RNA/functional studies, the actual effect of this sequence change is unknown.